The following is an entry in ClinVar:

NM_012414.4(RAB3GAP2):c.3842A>G (p.Tyr1281Cys)

Gene: RAB3GAP2 (RAB3 GTPase activating non-catalytic protein subunit 2; minus strand). Cytogenetic location: 1q41.
Variant type: single nucleotide variant.
Coding change: c.3842A>G on transcript NM_012414.4 (MANE Select); coding-DNA position 3842, A replaced by G.
Protein change: p.Tyr1281Cys; replaces tyrosine 1281 with cysteine.
Molecular consequence: missense variant.
Genome position (GRCh38, 1-based): chr1:220,153,210, T>C on the plus strand (A>G on the coding strand, the complement: RAB3GAP2 is on the minus strand). VCF-style: chr1-220153210-T-C. GRCh37 (hg19) VCF-style: chr1-220326552-T-C.
Other names: short protein forms Y1281C.
Identifiers: ClinVar variation 287196 (VCV000287196.25), dbSNP rs34081806, ClinGen allele CA1402036.

ClinVar aggregate classification (germline): Conflicting classifications of pathogenicity. Review status: criteria provided, conflicting classifications (1 of 4 stars). 5 submissions from 5 submitters: Uncertain significance (3); Likely benign (1). 1 of the submissions does not count toward it. Last evaluated 2025-10-26.

Conditions:
RAB3GAP2-related disorder. Also called: RAB3GAP2-related condition; RAB3GAP2-related disorders.
Warburg micro syndrome 2 (WARBM2). Also called: MICRO SYNDROME 2. Identifiers: Orphanet 2510, MedGen C3280214, MONDO:0013641, OMIM 614225.
Martsolf syndrome (MARTS). Also called: Congenital cataract with intellectual disability and hypogonadotropic hypogonadism syndrome. Identifiers: Orphanet 1387, MedGen C0796037, MONDO:0023910.

Allele frequency attached by ClinVar (database versions not stated): gnomAD exomes 0.00006 and 0.00018; ExAC 0.00026; 1000 Genomes Project 0.00040; 1000 Genomes Project 30x 0.00047; gnomAD 0.00084 and 0.00094; TOPMed 0.00090; ESP Exome Variant Server 0.00100.
gnomAD v4.1: 218 of 1,613,688 alleles (0.014%); highest among the groups gnomAD compares: African/African-American, 0.28%; 1 homozygote.

Submissions (5):

Labcorp Genetics (formerly Invitae), Labcorp
Classification: Likely benign for Martsolf syndrome; Warburg micro syndrome 2. Last evaluated: 2025-10-26. Review status: criteria provided, single submitter. Criteria: Invitae Variant Classification Sherloc (09022015). Collection method: clinical testing. Allele origin: germline.

GeneDx
Classification: Uncertain significance. Last evaluated: 2022-04-14. Review status: criteria provided, single submitter. Criteria: GeneDx Variant Classification Process June 2021. Collection method: clinical testing. Allele origin: germline. Affected: yes.
Comment: In silico analysis supports that this missense variant has a deleterious effect on protein structure/function; Has not been previously published as pathogenic or benign to our knowledge

Revvity Omics, Revvity
Classification: Uncertain significance. Last evaluated: 2019-11-21. Review status: criteria provided, single submitter. Criteria: ACMG Guidelines, 2015. Collection method: clinical testing. Allele origin: germline.

Eurofins Ntd Llc (ga)
Classification: Uncertain significance. Last evaluated: 2016-05-23. Review status: criteria provided, single submitter. Criteria: EGL Classification Definitions 2015. Collection method: clinical testing. Allele origin: germline. Observed: 1 variant allele, 1 heterozygote.

PreventionGenetics, part of Exact Sciences
Classification: Likely benign for RAB3GAP2-related condition. Last evaluated: 2022-03-01. Review status: no assertion criteria provided. Collection method: clinical testing. Allele origin: germline. Not counted in ClinVar's aggregate classification.
Comment: This variant is classified as likely benign based on ACMG/AMP sequence variant interpretation guidelines (Richards et al. 2015 PMID: 25741868, with internal and published modifications).